The following is an entry in ClinVar:

NM_001042492.3(NF1):c.2753del (p.Lys918fs)

Gene: NF1 (neurofibromin 1; plus strand). Cytogenetic location: 17q11.2.
Variant type: Deletion.
Coding change: c.2753del on transcript NM_001042492.3 (MANE Select); coding-DNA position 2753, one base deleted (A; older notation c.2753delA).
Protein change: p.Lys918fs; shifts the reading frame from lysine 918.
Molecular consequence: frameshift variant.
Genome position (GRCh38, 1-based): chr17:31,229,368, A deleted; the last of 2 consecutive A bases (chr17:31,229,367-31,229,368); deleting either gives the same sequence. VCF-style (leftmost placement, unchanged base first): chr17-31229366-TA-T. GRCh37 (hg19) VCF-style: chr17-29556384-TA-T.
Other names: c.2753delA, p.Lys918Argfs (NM_000267.4); short protein forms K918fs.
Identifiers: ClinVar variation 428954 (VCV000428954.3), dbSNP rs1131691078, ClinGen allele CA645369718.

ClinVar aggregate classification (germline): Pathogenic (1 of 4 stars; one submission).

Conditions:
Hereditary cancer-predisposing syndrome. Also called: Hereditary Cancer Syndrome; Neoplastic Syndromes, Hereditary; Hereditary neoplastic syndrome; Tumor predisposition. Identifiers: Orphanet 140162, MedGen C0027672, MeSH D009386, MONDO:0015356.

Submission:

Ambry Genetics
Classification: Pathogenic for Hereditary cancer-predisposing syndrome. Last evaluated: 2014-10-15. Review status: criteria provided, single submitter. Criteria: Ambry Autosomal Dominant and X-Linked criteria (10/2015). Collection method: clinical testing. Allele origin: germline. Observed: 1 variant allele.
Comment: The c.2753delA pathogenic mutation, located in coding exon 21 of the NF1 gene, results from a deletion of one nucleotide at nucleotide position 2753, causing a translational frameshift with a predicted alternate stop codon. Since frameshifts are typically deleterious in nature, this alteration is interpreted as a disease-causing mutation (ACMG Recommendations for Standards for Interpretation and Reporting of Sequence Variations. Revision 2007. Genet Med. 2008;10:294).